The following is an entry in ClinVar:

ClinVar aggregate classification (germline): Uncertain significance. Review status: criteria provided, multiple submitters, no conflicts (2 of 4 stars). 2 submissions from 2 submitters: Uncertain significance (2). Last evaluated 2024-02-01.

Conditions:
Hereditary cancer-predisposing syndrome. Also called: Tumor predisposition; Hereditary Cancer Syndrome; Neoplastic Syndromes, Hereditary; Hereditary neoplastic syndrome. Identifiers: Orphanet 140162, MedGen C0027672, MeSH D009386, MONDO:0015356.
Ataxia-telangiectasia syndrome (AT). Also called: Ataxia-telangiectasia; AT, COMPLEMENTATION GROUP C; ATAXIA-TELANGIECTASIA, COMPLEMENTATION GROUP A; ATAXIA-TELANGIECTASIA, FRESNO VARIANT; Ataxia-telangiectasia, complementation group E; LOUIS-BAR SYNDROME. Identifiers: Orphanet 100, MedGen C0004135, MONDO:0008840, OMIM 208900.

Submissions (2):

Ambry Genetics
Classification: Uncertain significance for Hereditary cancer-predisposing syndrome. Last evaluated: 2024-02-01. Review status: criteria provided, single submitter. Criteria: Ambry Variant Classification Scheme 2023. Collection method: clinical testing. Allele origin: germline.
Comment: The p.D1053G variant (also known as c.3158A>G), located in coding exon 21 of the ATM gene, results from an A to G substitution at nucleotide position 3158. The aspartic acid at codon 1053 is replaced by glycine, an amino acid with similar properties. This amino acid position is highly conserved in available vertebrate species. In addition, this alteration is predicted to be deleterious by in silico analysis. Based on the available evidence, the clinical significance of this alteration remains unclear.

Labcorp Genetics (formerly Invitae), Labcorp
Classification: Uncertain significance for Ataxia-telangiectasia syndrome. Last evaluated: 2022-03-19. Review status: criteria provided, single submitter. Criteria: Invitae Variant Classification Sherloc (09022015). Collection method: clinical testing. Allele origin: germline.
Comment: This sequence change replaces aspartic acid, which is acidic and polar, with glycine, which is neutral and non-polar, at codon 1053 of the ATM protein (p.Asp1053Gly). This variant is not present in population databases (gnomAD no frequency). In summary, the available evidence is currently insufficient to determine the role of this variant in disease. Therefore, it has been classified as a Variant of Uncertain Significance. Advanced modeling of protein sequence and biophysical properties (such as structural, functional, and spatial information, amino acid conservation, physicochemical variation, residue mobility, and thermodynamic stability) performed at Invitae indicates that this missense variant is not expected to disrupt ATM protein function. This variant has not been reported in the literature in individuals affected with ATM-related conditions.

NM_000051.4(ATM):c.3158A>G (p.Asp1053Gly)

Gene: ATM (ATM serine/threonine kinase; plus strand). Cytogenetic location: 11q22.3.
Variant type: single nucleotide variant.
Coding change: c.3158A>G on transcript NM_000051.4 (MANE Select); coding-DNA position 3158, A replaced by G.
Protein change: p.Asp1053Gly; replaces aspartic acid 1053 with glycine.
Molecular consequence: missense variant.
Genome position (GRCh38, 1-based): chr11:108,272,726, A>G. VCF-style: chr11-108272726-A-G. GRCh37 (hg19) VCF-style: chr11-108143453-A-G.
Other names: c.3158A>G, p.Asp1053Gly (NM_001351834.2); short protein forms D1053G.
Identifiers: ClinVar variation 2114669 (VCV002114669.5), dbSNP rs2081657910, ClinGen allele CA382515499.